The following is an entry in ClinVar:

NC_000005.9:g.(?_70892097)_(70892201_?)del

Gene: MCCC2 (methylcrotonyl-CoA carboxylase subunit 2; plus strand). Cytogenetic location: 5q13.2.
Variant type: Deletion.
Identifiers: ClinVar variation 1073303 (VCV001073303.1).

ClinVar aggregate classification (germline): Pathogenic (1 of 4 stars; one submission).

Conditions:
3-methylcrotonyl-CoA carboxylase 2 deficiency. Also called: METHYLCROTONYLGLYCINURIA, TYPE II; 3 alpha methylcrotonyl-CoA carboxylase 2 deficiency; 3 alpha methylcrotonylglycinuria 2; MCC 2 deficiency; Methylcrotonylglycinuria type 2. Identifiers: Orphanet 6, MedGen C1859499, MONDO:0008862, OMIM 210210.

Submission:

Labcorp Genetics (formerly Invitae), Labcorp
Classification: Pathogenic for 3-methylcrotonyl-CoA carboxylase 2 deficiency. Last evaluated: 2020-01-18. Review status: criteria provided, single submitter. Criteria: Invitae Variant Classification Sherloc (09022015). Collection method: clinical testing. Allele origin: germline.
Comment: This variant is an out-of-frame deletion of the genomic region encompassing exon 3 of the MCCC2 gene. This is expected to create a premature translational stop signal and result in an absent or disrupted protein product. This variant has not been reported in the literature in individuals with MCCC2-related conditions. Loss-of-function variants in MCCC2 are known to be pathogenic (PMID: 11181649, 22642865). For these reasons, this variant has been classified as Pathogenic.

Literature cited by the submitters: PubMed 11181649; PubMed 22642865.